The following is an entry in ClinVar:

ClinVar aggregate classification (germline): Uncertain significance (1 of 4 stars; one submission).

Conditions:
Boudin-Mortier syndrome (BOMOS). Also called: Tall stature and long digits with extra epiphyses. Identifiers: MedGen C5561992, MONDO:0859194, OMIM 619543.

Submission:

3billion
Classification: Uncertain significance for Boudin-Mortier syndrome. Last evaluated: 2025-07-30. Review status: criteria provided, single submitter. Criteria: ACMG Guidelines, 2015. Collection method: clinical testing. Allele origin: germline. Affected: yes.
Comment: The variant is not observed in the gnomAD v4.1.0 dataset. Predicted Consequence/Location: Missense variant Damaging effect on gene or gene product predicted by in silico programs is uncertain [3Cnet: 0.20 (damaging >0.75, benign <0.1)]. Therefore, this variant is classified as VUS according to the recommendation of ACMG/AMP guideline.

NM_001204375.2(NPR3):c.190T>C (p.Ser64Pro)

Genes: NPR3 (natriuretic peptide receptor 3; plus strand), LOC123493284 (Sharpr-MPRA regulatory region 158; plus strand). Cytogenetic location: 5p13.3.
Variant type: single nucleotide variant.
Coding change: c.190T>C on transcript NM_001204375.2 (MANE Select); coding-DNA position 190, T replaced by C.
Protein change: p.Ser64Pro; replaces serine 64 with proline.
Molecular consequence: missense variant. On other transcripts: intron variant (4).
Genome position (GRCh38, 1-based): chr5:32,711,966, T>C. VCF-style: chr5-32711966-T-C. GRCh37 (hg19) VCF-style: chr5-32712072-T-C.
Other names: c.121+1183T>C (NM_001363652.2, NM_001204376.2, NM_001364460.2); c.190T>C, p.Ser64Pro (NM_000908.4); c.50-12732T>C (NM_001364458.2); short protein forms S64P.
Identifiers: ClinVar variation 4855519 (VCV004855519.1).
Genomic context (GRCh38, chr5:32,711,966, plus strand): 5'-GAGAGAGAGGCGCTGCCGCCACAGAAGATCGAGGTGCTGGTGTTACTGCCCCAGGATGAC[T>C]CGTACTTGTTTTCACTCACCCGGGTGCGGCCGGCCATCGAGTATGCTCTGCGCAGCGTGG-3'
Protein context (NP_001191304.1, residues 54-74): EVLVLLPQDD[Ser64Pro]YLFSLTRVRP